The following is an entry in ClinVar:

NM_001371928.1(AHDC1):c.1848G>A (p.Leu616=)

Gene: AHDC1 (AT-hook DNA binding motif containing 1; minus strand). Cytogenetic location: 1p36.11.
Variant type: single nucleotide variant.
Coding change: c.1848G>A on transcript NM_001371928.1 (MANE Select); coding-DNA position 1848, G replaced by A.
Protein change: p.Leu616=; no amino-acid change (leucine 616 retained).
Molecular consequence: synonymous variant.
Genome position (GRCh38, 1-based): chr1:27,550,268, C>T on the plus strand (G>A on the coding strand, the complement: AHDC1 is on the minus strand). VCF-style: chr1-27550268-C-T. GRCh37 (hg19) VCF-style: chr1-27876779-C-T.
Other names: c.1848G>A, p.Leu616= (NM_001029882.3).
Identifiers: ClinVar variation 759397 (VCV000759397.9), dbSNP rs775424889, ClinGen allele CA715878.

ClinVar aggregate classification (germline): Likely benign. Review status: criteria provided, multiple submitters, no conflicts (2 of 4 stars). 2 submissions from 2 submitters: Likely benign (2). Last evaluated 2026-09-01.

Allele frequency attached by ClinVar (database versions not stated): ExAC 0.00001; gnomAD exomes 0.00001 and 0.00002; TOPMed 0.00002; gnomAD 0.00003.
gnomAD v4.1: 12 of 1,613,850 alleles (0.00074%); highest among the groups gnomAD compares: Admixed American, 0.017%; no homozygotes.

Submissions (2):

CeGaT Center for Human Genetics Tuebingen
Classification: Likely benign. Last evaluated: 2026-09-01. Review status: criteria provided, single submitter. Criteria: CeGaT Center For Human Genetics Tuebingen Variant Classification Criteria Version 2. Collection method: clinical testing. Allele origin: germline. Affected: yes. Observed: 2 variant alleles.
Comment: AHDC1: BP4, BP7

Labcorp Genetics (formerly Invitae), Labcorp
Classification: Likely benign. Last evaluated: 2025-02-20. Review status: criteria provided, single submitter. Criteria: Invitae Variant Classification Sherloc (09022015). Collection method: clinical testing. Allele origin: germline.